The following is an entry in ClinVar:

ClinVar aggregate classification (germline): Uncertain significance (1 of 4 stars; one submission).

Conditions:
Hereditary cancer-predisposing syndrome. Also called: Hereditary neoplastic syndrome; Neoplastic Syndromes, Hereditary; Tumor predisposition; Hereditary Cancer Syndrome. Identifiers: Orphanet 140162, MedGen C0027672, MeSH D009386, MONDO:0015356.

gnomAD v4.1: 2 of 1,614,084 alleles (0.00012%); highest among the groups gnomAD compares: Non-Finnish European, 0.00017%; no homozygotes.

Submission:

Ambry Genetics
Classification: Uncertain significance for Hereditary cancer-predisposing syndrome. Last evaluated: 2022-08-02. Review status: criteria provided, single submitter. Criteria: Ambry Variant Classification Scheme 2023. Collection method: clinical testing. Allele origin: germline.
Comment: The p.N2697K variant (also known as c.8091T>A), located in coding exon 54 of the ATM gene, results from a T to A substitution at nucleotide position 8091. The asparagine at codon 2697 is replaced by lysine, an amino acid with similar properties. This amino acid position is conserved. In addition, the in silico prediction for this alteration is inconclusive. Since supporting evidence is limited at this time, the clinical significance of this alteration remains unclear.

NM_000051.4(ATM):c.8091T>A (p.Asn2697Lys)

Genes: ATM (ATM serine/threonine kinase; plus strand), C11orf65 (chromosome 11 open reading frame 65; minus strand). Cytogenetic location: 11q22.3.
Variant type: single nucleotide variant.
Coding change: c.8091T>A on transcript NM_000051.4 (MANE Select); coding-DNA position 8091, T replaced by A.
Protein change: p.Asn2697Lys; replaces asparagine 2697 with lysine.
Molecular consequence: missense variant. On other transcripts: intron variant (2).
Genome position (GRCh38, 1-based): chr11:108,335,049, T>A. VCF-style: chr11-108335049-T-A. GRCh37 (hg19) VCF-style: chr11-108205776-T-A.
Other names: c.8091T>A, p.Asn2697Lys (NM_001351834.2); c.641-25978A>T (NM_001330368.2); c.*38+171A>T (NM_001351110.2); short protein forms N2697K.
Identifiers: ClinVar variation 1761960 (VCV001761960.2), dbSNP rs756887364, ClinGen allele CA382562071.